The following is an entry in ClinVar:

ClinVar aggregate classification (germline): Uncertain significance (1 of 4 stars; one submission).

Submission:

Labcorp Genetics (formerly Invitae), Labcorp
Classification: Uncertain significance. Last evaluated: 2022-10-24. Review status: criteria provided, single submitter. Criteria: Invitae Variant Classification Sherloc (09022015). Collection method: clinical testing. Allele origin: germline.
Comment: In summary, the available evidence is currently insufficient to determine the role of this variant in disease. Therefore, it has been classified as a Variant of Uncertain Significance. Algorithms developed to predict the effect of missense changes on protein structure and function are either unavailable or do not agree on the potential impact of this missense change (SIFT: "Deleterious"; PolyPhen-2: "Probably Damaging"; Align-GVGD: "Class C0"). This variant has not been reported in the literature in individuals affected with FSCN2-related conditions. This variant is not present in population databases (gnomAD no frequency). This sequence change replaces phenylalanine, which is neutral and non-polar, with tyrosine, which is neutral and polar, at codon 90 of the FSCN2 protein (p.Phe90Tyr).

NM_012418.4(FSCN2):c.269T>A (p.Phe90Tyr)

Gene: FSCN2 (fascin actin-bundling protein 2, retinal; plus strand). Cytogenetic location: 17q25.3.
Variant type: single nucleotide variant.
Coding change: c.269T>A on transcript NM_012418.4 (MANE Select); coding-DNA position 269, T replaced by A.
Protein change: p.Phe90Tyr; replaces phenylalanine 90 with tyrosine.
Molecular consequence: missense variant.
Genome position (GRCh38, 1-based): chr17:81,528,800, T>A. VCF-style: chr17-81528800-T-A. GRCh37 (hg19) VCF-style: chr17-79495826-T-A.
Other names: c.269T>A, p.Phe90Tyr (NM_001077182.3); short protein forms F90Y.
Identifiers: ClinVar variation 2071698 (VCV002071698.4), dbSNP rs2544424823, ClinGen allele CA401470409.
Genomic context (GRCh38, chr17:81,528,800, plus strand): 5'-CGGCAGAAGAGGACGGGCGCGTGGCCTGTGAGGCAGAGCAGCCGGGCCGTGACTGCCGCT[T>A]CCTGGTCCTGCCGCAGCCAGATGGGCGCTGGGTGCTGCGGTCCGAGCCGCACGGCCGCTT-3'
Protein context (NP_036550.1, residues 80-100): EAEQPGRDCR[Phe90Tyr]LVLPQPDGRW